The following is an entry in ClinVar:

NM_000384.3(APOB):c.4351G>C (p.Gly1451Arg)

Gene: APOB (apolipoprotein B; minus strand). Cytogenetic location: 2p24.1.
Variant type: single nucleotide variant.
Coding change: c.4351G>C on transcript NM_000384.3 (MANE Select); coding-DNA position 4351, G replaced by C.
Protein change: p.Gly1451Arg; replaces glycine 1451 with arginine.
Molecular consequence: missense variant.
Genome position (GRCh38, 1-based): chr2:21,012,517, C>G on the plus strand (G>C on the coding strand, the complement: APOB is on the minus strand). VCF-style: chr2-21012517-C-G. GRCh37 (hg19) VCF-style: chr2-21235389-C-G.
Other names: short protein forms G1451R.
Identifiers: ClinVar variation 3415989 (VCV003415989.1).

ClinVar aggregate classification (germline): Uncertain significance (1 of 4 stars; one submission).

Conditions:
Cardiovascular phenotype. Identifiers: MedGen CN230736.

Submission:

Ambry Genetics
Classification: Uncertain significance for Cardiovascular phenotype. Last evaluated: 2024-09-11. Review status: criteria provided, single submitter. Criteria: Ambry Variant Classification Scheme 2023. Collection method: clinical testing. Allele origin: germline.
Comment: The p.G1451R variant (also known as c.4351G>C), located in coding exon 26 of the APOB gene, results from a G to C substitution at nucleotide position 4351. The glycine at codon 1451 is replaced by arginine, an amino acid with dissimilar properties. This amino acid position is conserved. In addition, this alteration is predicted to be tolerated by in silico analysis. Based on the available evidence, the clinical significance of this variant remains unclear.